The following is an entry in ClinVar:

NM_006270.5(RRAS):c.163G>A (p.Val55Met)

Gene: RRAS (RAS related; minus strand). Cytogenetic location: 19q13.33.
Variant type: single nucleotide variant.
Coding change: c.163G>A on transcript NM_006270.5 (MANE Select); coding-DNA position 163, G replaced by A.
Protein change: p.Val55Met; replaces valine 55 with methionine.
Molecular consequence: missense variant.
Genome position (GRCh38, 1-based): chr19:49,637,121, C>T on the plus strand (G>A on the coding strand, the complement: RRAS is on the minus strand). VCF-style: chr19-49637121-C-T. GRCh37 (hg19) VCF-style: chr19-50140378-C-T.
Other names: short protein forms V55M.
Identifiers: ClinVar variation 1380414 (VCV001380414.8), dbSNP rs368625677, ClinGen allele CA9579132.

ClinVar aggregate classification (germline): Uncertain significance (1 of 4 stars; one submission).

Conditions:
Noonan syndrome (NS). Also called: Noonan's syndrome. Identifiers: Orphanet 648, MedGen C0028326, MeSH D009634, MONDO:0018997. Disease mechanism: gain of function.

Allele frequency attached by ClinVar (database versions not stated): TOPMed 0.00004; ExAC 0.00005; gnomAD 0.00005 and 0.00006; ESP Exome Variant Server 0.00008.
gnomAD v4.1: 39 of 1,612,400 alleles (0.0024%); highest among the groups gnomAD compares: Middle Eastern, 0.016%; no homozygotes.

Submission:

Labcorp Genetics (formerly Invitae), Labcorp
Classification: Uncertain significance for Noonan syndrome. Last evaluated: 2025-12-01. Review status: criteria provided, single submitter. Criteria: Invitae Variant Classification Sherloc (09022015). Collection method: clinical testing. Allele origin: germline.
Comment: This sequence change replaces valine, which is neutral and non-polar, with methionine, which is neutral and non-polar, at codon 55 of the RRAS protein (p.Val55Met). This variant is present in population databases (rs368625677, gnomAD 0.03%). This missense change has been observed in individual(s) with clinical features of RRAS-related conditions (PMID: 24705357). ClinVar contains an entry for this variant (Variation ID: 1380414). An algorithm developed to predict the effect of missense changes on protein structure and function (PolyPhen-2) suggests that this variant is likely to be disruptive. Experimental studies have shown that this missense change affects RRAS function (PMID: 24705357). In summary, the available evidence is currently insufficient to determine the role of this variant in disease. Therefore, it has been classified as a Variant of Uncertain Significance.

Literature cited by the submitters: PubMed 24705357.